The following is an entry in ClinVar:

NM_002878.4(RAD51D):c.145-17C>T

Genes: RAD51D (RAD51 paralog D; minus strand), RAD51L3-RFFL (RAD51L3-RFFL readthrough; minus strand). Cytogenetic location: 17q12.
Variant type: single nucleotide variant.
Coding change: c.145-17C>T on transcript NM_002878.4 (MANE Select); 17 bases into the intron before coding-DNA position 145, C replaced by T.
Molecular consequence: intron variant.
Genome position (GRCh38, 1-based): chr17:35,118,636, G>A on the plus strand (C>T on the coding strand, the complement: RAD51D is on the minus strand). VCF-style: chr17-35118636-G-A. GRCh37 (hg19) VCF-style: chr17-33445655-G-A.
Other names: c.144+475C>T (NM_133629.3, NM_001142571.2).
Identifiers: ClinVar variation 2712877 (VCV002712877.4), dbSNP rs754131532, ClinGen allele CA2637247364.

ClinVar aggregate classification (germline): Likely benign. Review status: criteria provided, multiple submitters, no conflicts (2 of 4 stars). 2 submissions from 2 submitters: Likely benign (2). Last evaluated 2025-02-20.

Conditions:
Breast-ovarian cancer, familial, susceptibility to, 4. Identifiers: Orphanet 145, MedGen C3280345, MONDO:0013669, OMIM 614291.

gnomAD v4.1: 1 of 1,601,240 alleles (0.000062%); highest among the groups gnomAD compares: Non-Finnish European, 0.000086%; no homozygotes.

Submissions (2):

Myriad Genetics, Inc.
Classification: Likely benign for Breast-ovarian cancer, familial, susceptibility to, 4. Last evaluated: 2025-02-20. Review status: criteria provided, single submitter. Criteria: Myriad Autosomal Dominant, Autosomal Recessive and X-Linked Classification Criteria (2023). Collection method: clinical testing. Allele origin: unknown.
Comment: This variant is considered likely benign. This variant is intronic and is not expected to impact mRNA splicing.

Labcorp Genetics (formerly Invitae), Labcorp
Classification: Likely benign for Breast-ovarian cancer, familial, susceptibility to, 4. Last evaluated: 2023-03-16. Review status: criteria provided, single submitter. Criteria: Invitae Variant Classification Sherloc (09022015). Collection method: clinical testing. Allele origin: germline.